The following is an entry in ClinVar:

NM_003995.4(NPR2):c.999C>T (p.Ile333=)

Gene: NPR2 (natriuretic peptide receptor 2; plus strand). Cytogenetic location: 9p13.3.
Variant type: single nucleotide variant.
Coding change: c.999C>T on transcript NM_003995.4 (MANE Select); coding-DNA position 999, C replaced by T.
Protein change: p.Ile333=; no amino-acid change (isoleucine 333 retained).
Molecular consequence: synonymous variant.
Genome position (GRCh38, 1-based): chr9:35,800,033, C>T. VCF-style: chr9-35800033-C-T. GRCh37 (hg19) VCF-style: chr9-35800030-C-T.
Other names: c.999C>T, p.Ile333= (NM_001378923.1).
Identifiers: ClinVar variation 772160 (VCV000772160.14), dbSNP rs28764009, ClinGen allele CA5051586.
Genomic context (GRCh38, chr9:35,800,033, plus strand): 5'-GGGGCCTTGCAGGACATTTGGAGAGTACTGCTGAAGTTGCCACCCCCAGATGAACCTCAT[C>T]GCTGGCTGCTTCTATGATGGGATCCTGCTATATGCTGAAGTCCTGAATGAGACAATACAG-3'
Protein context (NP_003986.2, residues 323-343): VELGPSLMNL[Ile333=]AGCFYDGILL

ClinVar aggregate classification (germline): Benign/Likely benign. Review status: criteria provided, multiple submitters, no conflicts (2 of 4 stars). 5 submissions from 5 submitters: Benign (2); Likely benign (3). Last evaluated 2026-02-13.

Conditions:
Acromesomelic dysplasia 1, Maroteaux type (AMD1). Also called: ST. HELENA DYSPLASIA; ACROMESOMELIC DYSPLASIA 1. Identifiers: Orphanet 40, MedGen C1864356, MONDO:0011275, OMIM 602875.
Tall stature-scoliosis-macrodactyly of the great toes syndrome. Also called: Epiphyseal chondrodysplasia, miura type. Identifiers: Orphanet 329191, MedGen C4014690, MONDO:0014401, OMIM 615923.
NPR2-related disorder. Also called: NPR2-related disorders; NPR2-related condition.

Allele frequency attached by ClinVar (database versions not stated): TOPMed 0.00023; gnomAD 0.00029; 1000 Genomes Project 30x 0.00187; 1000 Genomes Project 0.00200.
gnomAD v4.1: 170 of 1,614,012 alleles (0.011%); highest among the groups gnomAD compares: East Asian, 0.28%; 1 homozygote.

Submissions (5):

PreventionGenetics, part of Exact Sciences
Classification: Likely benign for NPR2-related condition. Last evaluated: 2026-02-13. Review status: criteria provided, single submitter. Criteria: ACMG Guidelines, 2015. Collection method: clinical testing. Allele origin: germline.
Comment: This variant is classified as likely benign based on ACMG/AMP sequence variant interpretation guidelines (Richards et al. 2015 PMID: 25741868, with internal and published modifications).

Labcorp Genetics (formerly Invitae), Labcorp
Classification: Benign for Tall stature-scoliosis-macrodactyly of the great toes syndrome; Acromesomelic dysplasia 1, Maroteaux type. Last evaluated: 2025-10-21. Review status: criteria provided, single submitter. Criteria: Invitae Variant Classification Sherloc (09022015). Collection method: clinical testing. Allele origin: germline.

Women's Health and Genetics/Laboratory Corporation of America, LabCorp
Classification: Likely benign. Last evaluated: 2024-06-14. Review status: criteria provided, single submitter. Criteria: LabCorp Variant Classification Summary - May 2015. Collection method: clinical testing. Allele origin: germline.

Blueprint Genetics
Classification: Likely benign. Last evaluated: 2024-01-18. Review status: criteria provided, single submitter. Criteria: ACMG Guidelines, 2015. Collection method: clinical testing. Allele origin: germline.

Breakthrough Genomics
Classification: Benign. Review status: criteria provided, single submitter. Criteria: ACMG Guidelines, 2015. Collection method: not provided. Allele origin: germline. Inheritance: Autosomal recessive inheritance. Affected: yes.